The following is an entry in ClinVar:

NM_002528.7(NTHL1):c.74G>A (p.Arg25Lys)

Genes: NTHL1 (nth like DNA glycosylase 1; minus strand), TSC2 (TSC complex subunit 2; plus strand). Cytogenetic location: 16p13.3.
Variant type: single nucleotide variant.
Coding change: c.74G>A on transcript NM_002528.7 (MANE Select); coding-DNA position 74, G replaced by A.
Protein change: p.Arg25Lys; replaces arginine 25 with lysine.
Molecular consequence: missense variant. On other transcripts: 5 prime UTR variant (1).
Genome position (GRCh38, 1-based): chr16:2,047,750, C>T on the plus strand (G>A on the coding strand, the complement: NTHL1 is on the minus strand). VCF-style: chr16-2047750-C-T. GRCh37 (hg19) VCF-style: chr16-2097751-C-T.
Other names: c.74G>A, p.Arg25Lys (NM_001318193.2); c.-105G>A (NM_001318194.2); short protein forms R25K.
Identifiers: ClinVar variation 708448 (VCV000708448.57), dbSNP rs2302172, ClinGen allele CA027945.

ClinVar aggregate classification (germline): Conflicting classifications of pathogenicity. Review status: criteria provided, conflicting classifications (1 of 4 stars). 7 submissions from 7 submitters: Uncertain significance (2); Benign (1); Likely benign (3). 1 of the submissions does not count toward it. Last evaluated 2026-01-29.

Conditions:
Hereditary cancer-predisposing syndrome. Also called: Neoplastic Syndromes, Hereditary; Tumor predisposition; Hereditary Cancer Syndrome; Hereditary neoplastic syndrome. Identifiers: Orphanet 140162, MedGen C0027672, MeSH D009386, MONDO:0015356.
NTHL1-related disorder. Also called: NTHL1-related conditions; NTHL1-related condition.

Allele frequency attached by ClinVar (database versions not stated): gnomAD 0.00029 and 0.00044; gnomAD exomes 0.00048; ExAC 0.00086; 1000 Genomes Project 30x 0.00094; 1000 Genomes Project 0.00120; TOPMed 0.00023.

Submissions (7):

Labcorp Genetics (formerly Invitae), Labcorp
Classification: Likely benign. Last evaluated: 2026-01-29. Review status: criteria provided, single submitter. Criteria: Invitae Variant Classification Sherloc (09022015). Collection method: clinical testing. Allele origin: germline.

Center for Genomic Medicine, Rigshospitalet, Copenhagen University Hospital
Classification: Uncertain significance. Last evaluated: 2025-12-29. Review status: criteria provided, single submitter. Criteria: ACMG Guidelines, 2015. Collection method: clinical testing. Allele origin: germline.

GeneDx
Classification: Uncertain significance. Last evaluated: 2025-08-28. Review status: criteria provided, single submitter. Criteria: GeneDx Variant Classification Process June 2021. Collection method: clinical testing. Allele origin: germline. Affected: yes.
Comment: Published functional studies demonstrate this variant induces cellular transformation but does not impact cellular localization or enzymatic functions of NTHL1 (PMID: 32595826); In silico analysis suggests that this missense variant does not alter protein structure/function; Observed in individuals with breast cancer (PMID: 33980861); This variant is associated with the following publications: (PMID: 33087284, 26400813, 21167187, 34363023, 32595826, 33980861)

CeGaT Center for Human Genetics Tuebingen
Classification: Benign. Last evaluated: 2022-05-01. Review status: criteria provided, single submitter. Criteria: CeGaT Center For Human Genetics Tuebingen Variant Classification Criteria Version 2. Collection method: clinical testing. Allele origin: germline. Affected: yes. Observed: 3 variant alleles.
Comment: TSC2: BS1, BS2

Sema4
Classification: Likely benign for Hereditary cancer-predisposing syndrome. Last evaluated: 2021-05-25. Review status: criteria provided, single submitter. Criteria: Sema4 Curation Guidelines. Collection method: curation. Allele origin: germline.

Ambry Genetics
Classification: Likely benign for Hereditary cancer-predisposing syndrome. Last evaluated: 2018-05-09. Review status: criteria provided, single submitter. Criteria: Ambry Variant Classification Scheme 2023. Collection method: clinical testing. Allele origin: germline.

PreventionGenetics, part of Exact Sciences
Classification: Likely benign for NTHL1-related condition. Last evaluated: 2021-04-20. Review status: no assertion criteria provided. Collection method: clinical testing. Allele origin: germline. Not counted in ClinVar's aggregate classification.
Comment: This variant is classified as likely benign based on ACMG/AMP sequence variant interpretation guidelines (Richards et al. 2015 PMID: 25741868, with internal and published modifications).